The following is an entry in ClinVar:

ClinVar aggregate classification (germline): Pathogenic/Likely pathogenic. Review status: criteria provided, multiple submitters, no conflicts (2 of 4 stars). 2 submissions from 2 submitters: Pathogenic (1); Likely pathogenic (1). Last evaluated 2023-01-24.

Conditions:
Usher syndrome type 1F (USH1F). Also called: USHER SYNDROME, TYPE IF. Identifiers: Orphanet 231169, Orphanet 886, MedGen C1865885, MONDO:0011186, OMIM 602083.

Allele frequency attached by ClinVar (database versions not stated): gnomAD exomes below 0.00001; gnomAD 0.00001.
gnomAD v4.1: 1 of 1,612,984 alleles (0.000062%); highest among the groups gnomAD compares: Non-Finnish European, 0.000085%; no homozygotes.

Submissions (2):

Broad Center for Mendelian Genomics, Broad Institute of MIT and Harvard
Classification: Likely pathogenic for Usher syndrome type 1F. Last evaluated: 2023-01-24. Review status: criteria provided, single submitter. Criteria: ACMG Guidelines, 2015. Collection method: curation. Allele origin: germline. Inheritance: Autosomal recessive inheritance.
Comment: The p.Gln1145Ter variant in PCDH15 has been reported in 1 individual, in the compound heterozygous state, with Usher syndrome type 1F (PMID: 26969326) and has been identified in 0.0009% (1/113446) of European (non-Finnish) chromosomes by the Genome Aggregation Database (gnomAD; dbSNP ID: rs1200451014). Although this variant has been seen in the general population in a heterozygous state, its frequency is low enough to be consistent with a recessive carrier frequency. This nonsense variant leads to a premature termination codon at position 1145, which is predicted to lead to a truncated or absent protein. Loss of function of the PCDH15 gene is an established disease mechanism in autosomal recessive Usher syndrome type 1F. In summary, although additional studies are required to fully establish its clinical significance, this variant is likely pathogenic for autosomal recessive Usher syndrome type 1F. ACMG/AMP Criteria applied: PVS1, PM2 (Richards 2015).

Labcorp Genetics (formerly Invitae), Labcorp
Classification: Pathogenic. Last evaluated: 2021-11-08. Review status: criteria provided, single submitter. Criteria: Invitae Variant Classification Sherloc (09022015). Collection method: clinical testing. Allele origin: germline.
Comment: For these reasons, this variant has been classified as Pathogenic. This premature translational stop signal has been observed in individual(s) with deafness (PMID: 26969326). This variant is present in population databases (no rsID available, gnomAD 0.0009%). This sequence change creates a premature translational stop signal (p.Gln1145*) in the PCDH15 gene. It is expected to result in an absent or disrupted protein product. Loss-of-function variants in PCDH15 are known to be pathogenic (PMID: 11398101, 11487575, 14570705).

Literature cited by the submitters: PubMed 26969326 (cited by Labcorp Genetics (formerly Invitae), Labcorp); PubMed 11398101 (cited by Labcorp Genetics (formerly Invitae), Labcorp); PubMed 11487575 (cited by Labcorp Genetics (formerly Invitae), Labcorp); PubMed 14570705 (cited by Labcorp Genetics (formerly Invitae), Labcorp).

NM_001384140.1(PCDH15):c.3433C>T (p.Gln1145Ter)

Gene: PCDH15 (protocadherin related 15; minus strand). Cytogenetic location: 10q21.1.
Variant type: single nucleotide variant.
Coding change: c.3433C>T on transcript NM_001384140.1 (MANE Select); coding-DNA position 3433, C replaced by T.
Protein change: p.Gln1145Ter; replaces glutamine 1145 with a stop codon.
Molecular consequence: nonsense.
Genome position (GRCh38, 1-based): chr10:53,903,311, G>A on the plus strand (C>T on the coding strand, the complement: PCDH15 is on the minus strand). VCF-style: chr10-53903311-G-A. GRCh37 (hg19) VCF-style: chr10-55663071-G-A.
Other names: NM_001384140.1:c.3433C>T; c.3448C>T, p.Gln1150Ter (NM_001142763.2, NM_001142771.2); c.3433C>T, p.Gln1145Ter (NM_001142764.2, NM_001142766.2, NM_001142770.3 and 4 more transcripts); c.3220C>T, p.Gln1074Ter (NM_001142765.2); c.3322C>T, p.Gln1108Ter (NM_001142767.2); c.3367C>T, p.Gln1123Ter (NM_001142768.2, NM_001142773.2, NM_001354404.2); c.3469C>T, p.Gln1157Ter (NM_001142769.4); c.3454C>T, p.Gln1152Ter (NM_001354411.2); short protein forms Q1074*, Q1150*, Q1152*, Q1108*, Q1157*, Q1123*, Q1145*.
Identifiers: ClinVar variation 1362284 (VCV001362284.6), dbSNP rs1200451014, ClinGen allele CA376525658.
Genomic context (GRCh38, chr10:53,903,311, plus strand): 5'-TGAGTACAGAAGTAAACATTCTTGCATCTTCAGATACACCTCCGATGTAGAATTTTTTCT[G>A]AAACACTGGGGGATGATTATTTTCATCCTGAATCTCAATGTATACTTTAGCTGTATTGCC-3'